The following is an entry in ClinVar:

ClinVar aggregate classification (germline): Uncertain significance. Review status: criteria provided, multiple submitters, no conflicts (2 of 4 stars). 3 submissions from 3 submitters: Uncertain significance (3). Last evaluated 2024-05-22.

Conditions:
Maturity-onset diabetes of the young type 7 (MODY7). Identifiers: Orphanet 552, MedGen C1864839, MONDO:0012513, OMIM 610508.

Allele frequency attached by ClinVar (database versions not stated): ExAC 0.00002; TOPMed 0.00005; gnomAD exomes 0.00006 and 0.00008; gnomAD 0.00007 and 0.00008; ESP Exome Variant Server 0.00015.
gnomAD v4.1: 128 of 1,613,768 alleles (0.0079%); highest among the groups gnomAD compares: Non-Finnish European, 0.0092%; no homozygotes.

Submissions (3):

Labcorp Genetics (formerly Invitae), Labcorp
Classification: Uncertain significance. Last evaluated: 2024-05-22. Review status: criteria provided, single submitter. Criteria: Invitae Variant Classification Sherloc (09022015). Collection method: clinical testing. Allele origin: germline.
Comment: This sequence change replaces glycine, which is neutral and non-polar, with glutamic acid, which is acidic and polar, at codon 203 of the KLF11 protein (p.Gly203Glu). This variant is present in population databases (rs145588324, gnomAD 0.02%). This variant has not been reported in the literature in individuals affected with KLF11-related conditions. ClinVar contains an entry for this variant (Variation ID: 892908). An algorithm developed to predict the effect of missense changes on protein structure and function (PolyPhen-2) suggests that this variant is likely to be tolerated. In summary, the available evidence is currently insufficient to determine the role of this variant in disease. Therefore, it has been classified as a Variant of Uncertain Significance.

Fulgent Genetics
Classification: Uncertain significance for Maturity-onset diabetes of the young type 7. Last evaluated: 2021-11-15. Review status: criteria provided, single submitter. Criteria: ACMG Guidelines, 2015. Collection method: clinical testing. Allele origin: unknown.

Illumina Laboratory Services, Illumina
Classification: Uncertain significance for Maturity-onset diabetes of the young type 7. Last evaluated: 2018-01-12. Review status: criteria provided, single submitter. Criteria: ICSL Variant Classification Criteria 13 December 2019. Collection method: clinical testing. Allele origin: germline.

NM_003597.5(KLF11):c.608G>A (p.Gly203Glu)

Gene: KLF11 (KLF transcription factor 11; plus strand). Cytogenetic location: 2p25.1.
Variant type: single nucleotide variant.
Coding change: c.608G>A on transcript NM_003597.5 (MANE Select); coding-DNA position 608, G replaced by A.
Protein change: p.Gly203Glu; replaces glycine 203 with glutamic acid.
Molecular consequence: missense variant.
Genome position (GRCh38, 1-based): chr2:10,047,945, G>A. VCF-style: chr2-10047945-G-A. GRCh37 (hg19) VCF-style: chr2-10188072-G-A.
Other names: c.557G>A, p.Gly186Glu (NM_001177716.2, NM_001177718.2); short protein forms G203E, G186E.
Identifiers: ClinVar variation 892908 (VCV000892908.12), dbSNP rs145588324, ClinGen allele CA1525560.